The following is an entry in ClinVar:

ClinVar aggregate classification (germline): Pathogenic (1 of 4 stars; one submission).

Conditions:
Neuromuscular disease caused by qualitative or quantitative defects of dysferlin. Also called: Dysferlinopathy; Qualitative or quantitative defects of dysferlin. Identifiers: Orphanet 207073, MedGen C2931687, MONDO:0016145.

Submission:

Labcorp Genetics (formerly Invitae), Labcorp
Classification: Pathogenic for Neuromuscular disease caused by qualitative or quantitative defects of dysferlin. Last evaluated: 2023-09-13. Review status: criteria provided, single submitter. Criteria: Invitae Variant Classification Sherloc (09022015). Collection method: clinical testing. Allele origin: germline.
Comment: For these reasons, this variant has been classified as Pathogenic. This variant has not been reported in the literature in individuals affected with DYSF-related conditions. This variant is not present in population databases (gnomAD no frequency). This sequence change creates a premature translational stop signal (p.Gly1363Profs*18) in the DYSF gene. It is expected to result in an absent or disrupted protein product. Loss-of-function variants in DYSF are known to be pathogenic (PMID: 17698709, 20301480).

Literature cited by the submitters: PubMed 17698709; PubMed 20301480.

NM_001130987.2(DYSF):c.4141_4142del (p.Gly1381fs)

Gene: DYSF (dysferlin; plus strand). Cytogenetic location: 2p13.2.
Variant type: Deletion.
Coding change: c.4141_4142del on transcript NM_001130987.2 (MANE Select); coding-DNA positions 4141 to 4142, 2 bases deleted (GG; older notation c.4141_4142delGG).
Protein change: p.Gly1381fs; shifts the reading frame from glycine 1381.
Molecular consequence: frameshift variant.
Genome position (GRCh38, 1-based): chr2:71,611,546-71,611,547, GG deleted; deleting any 2 consecutive bases within chr2:71,611,543-71,611,547 gives the same sequence; the c. name uses the placement nearest the transcript's 3' end. VCF-style (leftmost placement, unchanged base first): chr2-71611542-TGG-T. GRCh37 (hg19) VCF-style: chr2-71838672-TGG-T.
Other names: c.4090_4091del, p.Gly1364fs (NM_001130455.2, NM_001130983.2); c.4045_4046del, p.Gly1349fs (NM_001130976.2, NM_001130977.2); c.4087_4088del, p.Gly1363fs (NM_001130978.2, NM_003494.4); c.4180_4181del, p.Gly1394fs (NM_001130979.2); c.4138_4139del, p.Gly1380fs (NM_001130980.2, NM_001130981.2); c.4183_4184del, p.Gly1395fs (NM_001130982.2); c.4048_4049del, p.Gly1350fs (NM_001130984.2, NM_001130986.2); c.4141_4142del, p.Gly1381fs (NM_001130985.2); short protein forms G1381fs, G1394fs, G1349fs, G1350fs, G1363fs, G1364fs, G1395fs, G1380fs.
Identifiers: ClinVar variation 2760573 (VCV002760573.3), dbSNP rs2546129963, ClinGen allele CA2697548250.
Genomic context (GRCh38, chr2:71,611,542, plus strand): 5'-GCGGAACATGAAGAGTTACCAGCTGGCCAACATCTCCTCCCCCAGCCTCGTGGTAGAGTG[TGG>T]GGGCCAGACGGTGCAGTCCTGTGTCATCAGGAACCTCCGGAAGAACCCCAACTTTGACAT-3'